The following is an entry in ClinVar:

NM_015089.4(CUL9):c.3441C>G (p.Pro1147=)

Gene: CUL9 (cullin 9; plus strand). Cytogenetic location: 6p21.1.
Variant type: single nucleotide variant.
Coding change: c.3441C>G on transcript NM_015089.4 (MANE Select); coding-DNA position 3441, C replaced by G.
Protein change: p.Pro1147=; no amino-acid change (proline 1147 retained).
Molecular consequence: synonymous variant.
Genome position (GRCh38, 1-based): chr6:43,200,492, C>G. VCF-style: chr6-43200492-C-G. GRCh37 (hg19) VCF-style: chr6-43168230-C-G.
Identifiers: ClinVar variation 3041064 (VCV003041064.2), dbSNP rs2533677165, ClinGen allele CA450373460.
Genomic context (GRCh38, chr6:43,200,492, plus strand): 5'-GCAGATGGTGCTGGGCCAGATCGAAGACCACAGACGAACCCACCAACCCATCAATATCCC[C>G]TTCTTTGATGTGTTCCTCAGGCATCTCTGCCAGGGTTAGTGCCCTCATCTGCTTTCTCCT-3'
Protein context (NP_055904.1, residues 1137-1157): HRRTHQPINI[Pro1147=]FFDVFLRHLC

ClinVar aggregate classification (germline): Likely benign (0 of 4 stars; one submission).

Conditions:
CUL9-related disorder. Also called: CUL9-related condition.

Submission:

PreventionGenetics, part of Exact Sciences
Classification: Likely benign for CUL9-related condition. Last evaluated: 2019-09-13. Review status: no assertion criteria provided. Collection method: clinical testing. Allele origin: germline.
Comment: This variant is classified as likely benign based on ACMG/AMP sequence variant interpretation guidelines (Richards et al. 2015 PMID: 25741868, with internal and published modifications).